The following is an entry in ClinVar:

ClinVar aggregate classification (germline): Uncertain significance (1 of 4 stars; one submission).

gnomAD v4.1: 3 of 1,612,170 alleles (0.00019%); highest among the groups gnomAD compares: Non-Finnish European, 0.00025%; no homozygotes.

Submission:

GeneDx
Classification: Uncertain significance. Last evaluated: 2023-05-06. Review status: criteria provided, single submitter. Criteria: GeneDx Variant Classification Process June 2021. Collection method: clinical testing. Allele origin: germline. Affected: yes.
Comment: Not observed at significant frequency in large population cohorts (gnomAD); In silico analysis supports that this missense variant does not alter protein structure/function; Has not been previously published as pathogenic or benign to our knowledge

NM_002480.3(PPP1R12A):c.526A>G (p.Ile176Val)

Gene: PPP1R12A (protein phosphatase 1 regulatory subunit 12A; minus strand). Cytogenetic location: 12q21.2.
Variant type: single nucleotide variant.
Coding change: c.526A>G on transcript NM_002480.3 (MANE Select); coding-DNA position 526, A replaced by G.
Protein change: p.Ile176Val; replaces isoleucine 176 with valine.
Molecular consequence: missense variant.
Genome position (GRCh38, 1-based): chr12:79,832,453, T>C on the plus strand (A>G on the coding strand, the complement: PPP1R12A is on the minus strand). VCF-style: chr12-79832453-T-C. GRCh37 (hg19) VCF-style: chr12-80226233-T-C.
Other names: c.526A>G, p.Ile176Val (NM_001143885.2, NM_001244990.2, NM_001244992.1); c.265A>G, p.Ile89Val (NM_001143886.2); short protein forms I176V, I89V.
Identifiers: ClinVar variation 3343298 (VCV003343298.1).
Genomic context (GRCh38, chr12:79,832,453, plus strand): 5'-CATGCCGGACATCATTTATATGACCACTATTTAGCCACTGCCTGGCATCTCTAAGCATGA[T>C]CCGTTCTTCTTCCTTTCGAGCTGCTTCTATATCAACCCCTGATAAAATAAAAATAGTTCT-3'
Protein context (NP_002471.1, residues 166-186): IEAARKEEER[Ile176Val]MLRDARQWLN